The following is an entry in ClinVar:

NM_000051.4(ATM):c.7412T>C (p.Ile2471Thr)

Genes: ATM (ATM serine/threonine kinase; plus strand), C11orf65 (chromosome 11 open reading frame 65; minus strand). Cytogenetic location: 11q22.3.
Variant type: single nucleotide variant.
Coding change: c.7412T>C on transcript NM_000051.4 (MANE Select); coding-DNA position 7412, T replaced by C.
Protein change: p.Ile2471Thr; replaces isoleucine 2471 with threonine.
Molecular consequence: missense variant. On other transcripts: intron variant (2).
Genome position (GRCh38, 1-based): chr11:108,330,318, T>C. VCF-style: chr11-108330318-T-C. GRCh37 (hg19) VCF-style: chr11-108201045-T-C.
Other names: c.7412T>C, p.Ile2471Thr (NM_001351834.2); c.641-21247A>G (NM_001330368.2); c.*38+4902A>G (NM_001351110.2); short protein forms I2471T.
Identifiers: ClinVar variation 3720476 (VCV003720476.2).

ClinVar aggregate classification (germline): Uncertain significance (1 of 4 stars; one submission).

Conditions:
Ataxia-telangiectasia syndrome (AT). Also called: Ataxia-telangiectasia, complementation group D; AT, COMPLEMENTATION GROUP C; ATAXIA-TELANGIECTASIA, COMPLEMENTATION GROUP A; ATAXIA-TELANGIECTASIA, FRESNO VARIANT; Ataxia-telangiectasia; Ataxia-telangiectasia, complementation group E. Identifiers: Orphanet 100, MedGen C0004135, MONDO:0008840, OMIM 208900.

Submission:

Labcorp Genetics (formerly Invitae), Labcorp
Classification: Uncertain significance for Ataxia-telangiectasia syndrome. Last evaluated: 2024-09-26. Review status: criteria provided, single submitter. Criteria: Invitae Variant Classification Sherloc (09022015). Collection method: clinical testing. Allele origin: germline.
Comment: This sequence change replaces isoleucine, which is neutral and non-polar, with threonine, which is neutral and polar, at codon 2471 of the ATM protein (p.Ile2471Thr). This variant is not present in population databases (gnomAD no frequency). This variant has not been reported in the literature in individuals affected with ATM-related conditions. An algorithm developed to predict the effect of missense changes on protein structure and function (PolyPhen-2) suggests that this variant is likely to be disruptive. In summary, the available evidence is currently insufficient to determine the role of this variant in disease. Therefore, it has been classified as a Variant of Uncertain Significance.